The following is an entry in ClinVar:

NM_013444.4(UBQLN2):c.1624G>T (p.Ala542Ser)

Gene: UBQLN2 (ubiquilin 2; plus strand). Cytogenetic location: Xp11.21.
Variant type: single nucleotide variant.
Coding change: c.1624G>T on transcript NM_013444.4 (MANE Select); coding-DNA position 1624, G replaced by T.
Protein change: p.Ala542Ser; replaces alanine 542 with serine.
Molecular consequence: missense variant.
Genome position (GRCh38, 1-based): chrX:56,565,497, G>T. VCF-style: chrX-56565497-G-T. GRCh37 (hg19) VCF-style: chrX-56591930-G-T.
Other names: short protein forms A542S.
Identifiers: ClinVar variation 1900727 (VCV001900727.8), dbSNP rs755910347, ClinGen allele CA10430203.

ClinVar aggregate classification (germline): Conflicting classifications of pathogenicity. Review status: criteria provided, conflicting classifications (1 of 4 stars). 3 submissions from 3 submitters: Uncertain significance (2); Likely benign (1). Last evaluated 2026-04-01.

Conditions:
Amyotrophic lateral sclerosis type 15. Also called: AMYOTROPHIC LATERAL SCLEROSIS 15 WITH FRONTOTEMPORAL DEMENTIA. Identifiers: Orphanet 803, MedGen C3275459, MONDO:0010459, OMIM 300857.

Allele frequency attached by ClinVar (database versions not stated): gnomAD 0.00002; gnomAD exomes 0.00003; TOPMed 0.00005; ExAC 0.00012.

Submissions (3):

CeGaT Center for Human Genetics Tuebingen
Classification: Likely benign. Last evaluated: 2026-04-01. Review status: criteria provided, single submitter. Criteria: CeGaT Center For Human Genetics Tuebingen Variant Classification Criteria Version 2. Collection method: clinical testing. Allele origin: germline. Affected: yes. Observed: 1 variant allele.
Comment: UBQLN2: BP4, BS2

Labcorp Genetics (formerly Invitae), Labcorp
Classification: Uncertain significance for Amyotrophic lateral sclerosis type 15. Last evaluated: 2024-11-05. Review status: criteria provided, single submitter. Criteria: Invitae Variant Classification Sherloc (09022015). Collection method: clinical testing. Allele origin: germline.
Comment: This sequence change replaces alanine, which is neutral and non-polar, with serine, which is neutral and polar, at codon 542 of the UBQLN2 protein (p.Ala542Ser). The frequency data for this variant in the population databases is considered unreliable, as metrics indicate poor data quality at this position in the gnomAD database. This variant has not been reported in the literature in individuals affected with UBQLN2-related conditions. ClinVar contains an entry for this variant (Variation ID: 1900727). Experimental studies and prediction algorithms are not available or were not evaluated, and the functional significance of this variant is currently unknown. In summary, the available evidence is currently insufficient to determine the role of this variant in disease. Therefore, it has been classified as a Variant of Uncertain Significance.

Ambry Genetics
Classification: Uncertain significance. Last evaluated: 2021-08-13. Review status: criteria provided, single submitter. Criteria: Ambry Variant Classification Scheme 2023. Collection method: clinical testing. Allele origin: germline.